The following is an entry in ClinVar:

NM_015662.3(IFT172):c.4611C>T (p.Ile1537=)

Gene: IFT172 (intraflagellar transport 172; minus strand). Cytogenetic location: 2p23.3.
Variant type: single nucleotide variant.
Coding change: c.4611C>T on transcript NM_015662.3 (MANE Select); coding-DNA position 4611, C replaced by T.
Protein change: p.Ile1537=; no amino-acid change (isoleucine 1537 retained).
Molecular consequence: synonymous variant.
Genome position (GRCh38, 1-based): chr2:27,447,563, G>A on the plus strand (C>T on the coding strand, the complement: IFT172 is on the minus strand). VCF-style: chr2-27447563-G-A. GRCh37 (hg19) VCF-style: chr2-27670430-G-A.
Other names: c.4611C>T (NM_015662.2).
Identifiers: ClinVar variation 1671131 (VCV001671131.10), dbSNP rs901644807, ClinGen allele CA44517484.
Genomic context (GRCh38, chr2:27,447,563, plus strand): 5'-CCTACATCTCACCAGCTGTTTGACACTCTGGGCTGCAGAGCGCGTGGCATAGTAATGAGC[G>A]ATCAGCAGCATCGTCTTGAACTCCTCATGGGCTGGAGAGTTTGCCTCACTGGACTTCACC-3'
Protein context (NP_056477.1, residues 1527-1547): AHEEFKTMLL[Ile1537=]AHYYATRSAA

ClinVar aggregate classification (germline): Conflicting classifications of pathogenicity. Review status: criteria provided, conflicting classifications (1 of 4 stars). 3 submissions from 3 submitters: Uncertain significance (1); Likely benign (2). Last evaluated 2025-09-02.

Conditions:
Short-rib thoracic dysplasia 10 with or without polydactyly (SRTD10). Identifiers: Orphanet 474, MedGen C3810175, MONDO:0014284, OMIM 615630.
Retinitis pigmentosa 71 (RP71). Identifiers: Orphanet 791, MedGen C4225342, MONDO:0014618, OMIM 616394.
Retinal dystrophy. Also called: Inherited retinal dystrophy. Identifiers: Orphanet 71862, MedGen C0854723, MeSH D058499, MONDO:0019118, HP:0000556.
IFT172-related disorder. Also called: IFT172-related disorders; IFT172-related condition.

Allele frequency attached by ClinVar (database versions not stated): gnomAD 0.00001; TOPMed 0.00002.
gnomAD v4.1: 10 of 1,614,018 alleles (0.00062%); highest among the groups gnomAD compares: East Asian, 0.0089%; no homozygotes.

Submissions (3):

PreventionGenetics, part of Exact Sciences
Classification: Likely benign for IFT172-related condition. Last evaluated: 2025-09-02. Review status: criteria provided, single submitter. Criteria: ACMG Guidelines, 2015. Collection method: clinical testing. Allele origin: germline.
Comment: This variant is classified as likely benign based on ACMG/AMP sequence variant interpretation guidelines (Richards et al. 2015 PMID: 25741868, with internal and published modifications).

Labcorp Genetics (formerly Invitae), Labcorp
Classification: Likely benign for Retinitis pigmentosa 71; Short-rib thoracic dysplasia 10 with or without polydactyly. Last evaluated: 2023-10-03. Review status: criteria provided, single submitter. Criteria: Invitae Variant Classification Sherloc (09022015). Collection method: clinical testing. Allele origin: germline.

Dept Of Ophthalmology, Nagoya University
Classification: Uncertain significance for Retinal dystrophy. Last evaluated: 2023-10-01. Review status: criteria provided, single submitter. Criteria: Submitter's publication. Collection method: research. Allele origin: germline. Affected: yes.